The following is an entry in ClinVar:

ClinVar aggregate classification (germline): Uncertain significance. Review status: criteria provided, multiple submitters, no conflicts (2 of 4 stars). 2 submissions from 2 submitters: Uncertain significance (2). Last evaluated 2024-08-20.

Conditions:
Donnai-Barrow syndrome. Also called: DBS/FOAR SYNDROME; FACIOOCULOACOUSTICORENAL SYNDROME. Identifiers: Orphanet 2143, MedGen C1857277, MONDO:0009104, OMIM 222448.

Allele frequency attached by ClinVar (database versions not stated): gnomAD 0.00001; ExAC 0.00002; gnomAD exomes 0.00003; TOPMed 0.00003.
gnomAD v4.1: 41 of 1,614,080 alleles (0.0025%); highest among the groups gnomAD compares: Admixed American, 0.012%; no homozygotes.

Submissions (2):

Labcorp Genetics (formerly Invitae), Labcorp
Classification: Uncertain significance. Last evaluated: 2024-08-20. Review status: criteria provided, single submitter. Criteria: Invitae Variant Classification Sherloc (09022015). Collection method: clinical testing. Allele origin: germline.
Comment: This sequence change replaces serine, which is neutral and polar, with leucine, which is neutral and non-polar, at codon 1070 of the LRP2 protein (p.Ser1070Leu). This variant is present in population databases (rs745389472, gnomAD 0.02%). This variant has not been reported in the literature in individuals affected with LRP2-related conditions. ClinVar contains an entry for this variant (Variation ID: 2413637). Invitae Evidence Modeling of protein sequence and biophysical properties (such as structural, functional, and spatial information, amino acid conservation, physicochemical variation, residue mobility, and thermodynamic stability) indicates that this missense variant is not expected to disrupt LRP2 protein function with a negative predictive value of 95%. In summary, the available evidence is currently insufficient to determine the role of this variant in disease. Therefore, it has been classified as a Variant of Uncertain Significance.

Fulgent Genetics
Classification: Uncertain significance for Donnai-Barrow syndrome. Last evaluated: 2024-03-12. Review status: criteria provided, single submitter. Criteria: ACMG Guidelines, 2015. Collection method: clinical testing. Allele origin: germline.

NM_004525.3(LRP2):c.3209C>T (p.Ser1070Leu)

Gene: LRP2 (LDL receptor related protein 2; minus strand). Cytogenetic location: 2q31.1.
Variant type: single nucleotide variant.
Coding change: c.3209C>T on transcript NM_004525.3 (MANE Select); coding-DNA position 3209, C replaced by T.
Protein change: p.Ser1070Leu; replaces serine 1070 with leucine.
Molecular consequence: missense variant.
Genome position (GRCh38, 1-based): chr2:169,244,914, G>A on the plus strand (C>T on the coding strand, the complement: LRP2 is on the minus strand). VCF-style: chr2-169244914-G-A. GRCh37 (hg19) VCF-style: chr2-170101424-G-A.
Other names: short protein forms S1070L.
Identifiers: ClinVar variation 2413637 (VCV002413637.5), dbSNP rs745389472, ClinGen allele CA1955088.